The following is an entry in ClinVar:

ClinVar aggregate classification (germline): Uncertain significance (1 of 4 stars; one submission).

Conditions:
Cardiovascular phenotype. Identifiers: MedGen CN230736.

gnomAD v4.1: 1 of 1,550,382 alleles (0.000065%); highest among the groups gnomAD compares: Middle Eastern, 0.017%; no homozygotes.

Submission:

Ambry Genetics
Classification: Uncertain significance for Cardiovascular phenotype. Last evaluated: 2024-08-24. Review status: criteria provided, single submitter. Criteria: Ambry Variant Classification Scheme 2023. Collection method: clinical testing. Allele origin: germline.
Comment: The p.G1761R variant (also known as c.5281G>A), located in coding exon 2 of the ZNF469 gene, results from a G to A substitution at nucleotide position 5281. The glycine at codon 1761 is replaced by arginine, an amino acid with dissimilar properties. This amino acid position is conserved. In addition, this alteration is predicted to be tolerated by in silico analysis. Based on the available evidence, the clinical significance of this variant remains unclear.

NM_001367624.2(ZNF469):c.5365G>A (p.Gly1789Arg)

Gene: ZNF469 (zinc finger protein 469; plus strand). Cytogenetic location: 16q24.2.
Variant type: single nucleotide variant.
Coding change: c.5365G>A on transcript NM_001367624.2 (MANE Select); coding-DNA position 5365, G replaced by A.
Protein change: p.Gly1789Arg; replaces glycine 1789 with arginine.
Molecular consequence: missense variant.
Genome position (GRCh38, 1-based): chr16:88,432,835, G>A. VCF-style: chr16-88432835-G-A. GRCh37 (hg19) VCF-style: chr16-88499243-G-A.
Other names: NM_001127464.1:c.5281G>A; short protein forms G1789R.
Identifiers: ClinVar variation 3476194 (VCV003476194.1).
Genomic context (GRCh38, chr16:88,432,835, plus strand): 5'-CCCTGTGAACAGAGAGGAGGGTTCCTCCCAGAGCCCGGCACAGCAGACCAGCCCCACCGA[G>A]GGGCCCCTGCTCCAGAAGCTTTTGGCAGCCCTGCTGTCCATCTGGCCCCTGACTTGGCAT-3'
Protein context (NP_001354553.1, residues 1779-1799): EPGTADQPHR[Gly1789Arg]APAPEAFGSP